The following is an entry in ClinVar:

NM_144687.4(NLRP12):c.1441C>G (p.Leu481Val)

Gene: NLRP12 (NLR family pyrin domain containing 12; minus strand). Cytogenetic location: 19q13.42.
Variant type: single nucleotide variant.
Coding change: c.1441C>G on transcript NM_144687.4 (MANE Select); coding-DNA position 1441, C replaced by G.
Protein change: p.Leu481Val; replaces leucine 481 with valine.
Molecular consequence: missense variant.
Genome position (GRCh38, 1-based): chr19:53,810,218, G>C on the plus strand (C>G on the coding strand, the complement: NLRP12 is on the minus strand). VCF-style: chr19-53810218-G-C. GRCh37 (hg19) VCF-style: chr19-54313472-G-C.
Other names: c.1441C>G, p.Leu481Val (NM_001277126.2, NM_001277129.1); short protein forms L481V.
Identifiers: ClinVar variation 3672510 (VCV003672510.2).

ClinVar aggregate classification (germline): Uncertain significance (1 of 4 stars; one submission).

Conditions:
Familial cold autoinflammatory syndrome 2 (FCAS2). Identifiers: Orphanet 247868, MedGen C2673198, MONDO:0012724, OMIM 611762.

Submission:

Labcorp Genetics (formerly Invitae), Labcorp
Classification: Uncertain significance for Familial cold autoinflammatory syndrome 2. Last evaluated: 2024-12-23. Review status: criteria provided, single submitter. Criteria: Invitae Variant Classification Sherloc (09022015). Collection method: clinical testing. Allele origin: germline.
Comment: This sequence change replaces leucine, which is neutral and non-polar, with valine, which is neutral and non-polar, at codon 481 of the NLRP12 protein (p.Leu481Val). This variant is not present in population databases (gnomAD no frequency). This variant has not been reported in the literature in individuals affected with NLRP12-related conditions. Invitae Evidence Modeling of protein sequence and biophysical properties (such as structural, functional, and spatial information, amino acid conservation, physicochemical variation, residue mobility, and thermodynamic stability) indicates that this missense variant is not expected to disrupt NLRP12 protein function with a negative predictive value of 80%. In summary, the available evidence is currently insufficient to determine the role of this variant in disease. Therefore, it has been classified as a Variant of Uncertain Significance.